The following is an entry in ClinVar:

NM_144672.4(OTOA):c.904_905delinsAA (p.Pro302Asn)

Gene: OTOA (otoancorin). Cytogenetic location: 16p12.2.
Variant type: Indel.
Coding change: c.904_905delinsAA on transcript NM_144672.4 (MANE Select); coding-DNA positions 904 to 905, the reference bases replaced by AA.
Protein change: p.Pro302Asn; replaces proline 302 with asparagine.
Molecular consequence: missense variant.
Genome position: GRCh38 VCF-style: chr16-21700951-CC-AA. GRCh37 (hg19) VCF-style: chr16-21712272-CC-AA.
Other names: c.667_668delinsAA, p.Pro223Asn (NM_001161683.2); short protein forms P223N, P302N.
Identifiers: ClinVar variation 3693935 (VCV003693935.2).

ClinVar aggregate classification (germline): Uncertain significance (1 of 4 stars; one submission).

Submission:

Labcorp Genetics (formerly Invitae), Labcorp
Classification: Uncertain significance. Last evaluated: 2025-02-27. Review status: criteria provided, single submitter. Criteria: Invitae Variant Classification Sherloc (09022015). Collection method: clinical testing. Allele origin: germline.
Comment: This sequence change replaces proline, which is neutral and non-polar, with asparagine, which is neutral and polar, at codon 302 of the OTOA protein (p.Pro302Asn). This variant is present in population databases (no rsID available, gnomAD 0.0004%). This missense change has been observed in individual(s) with deafness (internal data). In at least one individual the data is consistent with being in trans (on the opposite chromosome) from a pathogenic variant. An algorithm developed to predict the effect of missense changes on protein structure and function (PolyPhen-2) suggests that this variant is likely to be disruptive. In summary, the available evidence is currently insufficient to determine the role of this variant in disease. Therefore, it has been classified as a Variant of Uncertain Significance.